The following is an entry in ClinVar:

NM_003239.5(TGFB3):c.680G>A (p.Cys227Tyr)

Gene: TGFB3 (transforming growth factor beta 3; minus strand). Cytogenetic location: 14q24.3.
Variant type: single nucleotide variant.
Coding change: c.680G>A on transcript NM_003239.5 (MANE Select); coding-DNA position 680, G replaced by A.
Protein change: p.Cys227Tyr; replaces cysteine 227 with tyrosine.
Molecular consequence: missense variant.
Genome position (GRCh38, 1-based): chr14:75,965,662, C>T on the plus strand (G>A on the coding strand, the complement: TGFB3 is on the minus strand). VCF-style: chr14-75965662-C-T. GRCh37 (hg19) VCF-style: chr14-76432005-C-T.
Other names: c.680G>A, p.Cys227Tyr (NM_001329938.2, NM_001329939.2); short protein forms C227Y.
Identifiers: ClinVar variation 1369802 (VCV001369802.8), dbSNP rs1280447804, ClinGen allele CA390468973.
Genomic context (GRCh38, chr14:75,965,662, plus strand): 5'-TCCATCACCTCGTGAATGTTTTCCAGGATATCTCCATTGGGCTGAAAGGTGTGACATGGA[C>T]AGTGAATGCTGATTTCTAGACCTAAGTTGGACTCTGCAAAATAAGACAGAATTAGTGAGA-3'
Protein context (NP_003230.1, residues 217-237): SNLGLEISIH[Cys227Tyr]PCHTFQPNGD

ClinVar aggregate classification (germline): Uncertain significance (1 of 4 stars; one submission).

Conditions:
Rienhoff syndrome. Also called: LOEYS-DIETZ SYNDROME 5. Identifiers: MedGen C3810012, MONDO:0014262, OMIM 615582.

Submission:

Labcorp Genetics (formerly Invitae), Labcorp
Classification: Uncertain significance for Rienhoff syndrome. Last evaluated: 2021-07-25. Review status: criteria provided, single submitter. Criteria: Invitae Variant Classification Sherloc (09022015). Collection method: clinical testing. Allele origin: germline.
Comment: In summary, the available evidence is currently insufficient to determine the role of this variant in disease. Therefore, it has been classified as a Variant of Uncertain Significance. Algorithms developed to predict the effect of missense changes on protein structure and function are either unavailable or do not agree on the potential impact of this missense change (SIFT: "Deleterious"; PolyPhen-2: "Probably Damaging"; Align-GVGD: "Class C0"). This variant has not been reported in the literature in individuals affected with TGFB3-related conditions. This variant is not present in population databases (ExAC no frequency). This sequence change replaces cysteine with tyrosine at codon 227 of the TGFB3 protein (p.Cys227Tyr). The cysteine residue is highly conserved and there is a large physicochemical difference between cysteine and tyrosine.